The following is an entry in ClinVar:

ClinVar aggregate classification (germline): Uncertain significance. Review status: criteria provided, multiple submitters, no conflicts (2 of 4 stars). 2 submissions from 2 submitters: Uncertain significance (2). Last evaluated 2023-01-22.

Conditions:
STAT5B-related disorder. Also called: STAT5B-related condition.
Growth hormone insensitivity with immune dysregulation 1, autosomal recessive. Also called: GROWTH HORMONE INSENSITIVITY SYNDROME WITH IMMUNE DYSREGULATION 1, AUTOSOMAL RECESSIVE; GROWTH HORMONE INSENSITIVITY DUE TO POSTRECEPTOR DEFECT; LARON SYNDROME DUE TO POSTRECEPTOR DEFECT; Laron syndrome with immunodeficiency. Identifiers: Orphanet 220465, MedGen C5435698, MONDO:0100211, OMIM 245590.

Allele frequency attached by ClinVar (database versions not stated): gnomAD exomes below 0.00001 and 0.00001; ExAC 0.00001; gnomAD 0.00001; TOPMed 0.00002.

Submissions (2):

PreventionGenetics, part of Exact Sciences
Classification: Uncertain significance for STAT5B-related condition. Last evaluated: 2023-01-22. Review status: criteria provided, single submitter. Criteria: ACMG Guidelines, 2015. Collection method: clinical testing. Allele origin: germline.
Comment: The STAT5B c.676C>T variant is predicted to result in the amino acid substitution p.Arg226Cys. To our knowledge, this variant has not been reported in the literature. This variant is reported in 0.0030% of alleles in individuals of Latino descent in gnomAD. At this time, the clinical significance of this variant is uncertain due to the absence of conclusive functional and genetic evidence.

Labcorp Genetics (formerly Invitae), Labcorp
Classification: Uncertain significance for Growth hormone insensitivity with immune dysregulation 1, autosomal recessive. Last evaluated: 2021-04-10. Review status: criteria provided, single submitter. Criteria: Invitae Variant Classification Sherloc (09022015). Collection method: clinical testing. Allele origin: germline.
Comment: The frequency data for this variant in the population databases is considered unreliable, as metrics indicate poor data quality at this position in the ExAC database. This sequence change replaces arginine with cysteine at codon 226 of the STAT5B protein (p.Arg226Cys). The arginine residue is highly conserved and there is a large physicochemical difference between arginine and cysteine. This variant has not been reported in the literature in individuals with STAT5B-related conditions. In summary, the available evidence is currently insufficient to determine the role of this variant in disease. Therefore, it has been classified as a Variant of Uncertain Significance. Algorithms developed to predict the effect of missense changes on protein structure and function are either unavailable or do not agree on the potential impact of this missense change (SIFT: "Deleterious"; PolyPhen-2: "Probably Damaging"; Align-GVGD: "Class C15").

NM_012448.4(STAT5B):c.676C>T (p.Arg226Cys)

Gene: STAT5B (signal transducer and activator of transcription 5B; minus strand). Cytogenetic location: 17q21.2.
Variant type: single nucleotide variant.
Coding change: c.676C>T on transcript NM_012448.4 (MANE Select); coding-DNA position 676, C replaced by T.
Protein change: p.Arg226Cys; replaces arginine 226 with cysteine.
Molecular consequence: missense variant.
Genome position (GRCh38, 1-based): chr17:42,219,717, G>A on the plus strand (C>T on the coding strand, the complement: STAT5B is on the minus strand). VCF-style: chr17-42219717-G-A. GRCh37 (hg19) VCF-style: chr17-40371735-G-A.
Other names: c.676C>T (NM_012448.3); short protein forms R226C.
Identifiers: ClinVar variation 1046989 (VCV001046989.12), dbSNP rs777110652, ClinGen allele CA8574219.